The following is an entry in ClinVar:

NM_001277115.2(DNAH11):c.4012-1G>C

Gene: DNAH11 (dynein axonemal heavy chain 11; plus strand). Cytogenetic location: 7p15.3.
Variant type: single nucleotide variant.
Coding change: c.4012-1G>C on transcript NM_001277115.2 (MANE Select); the canonical splice acceptor site of the intron before coding-DNA position 4012, G replaced by C.
Molecular consequence: splice acceptor variant.
Genome position (GRCh38, 1-based): chr7:21,616,208, G>C. VCF-style: chr7-21616208-G-C. GRCh37 (hg19) VCF-style: chr7-21655826-G-C.
Other names: NM_001277115.2:c.4012-1G>C.
Identifiers: ClinVar variation 3776918 (VCV003776918.1).

ClinVar aggregate classification (germline): Likely pathogenic (1 of 4 stars; one submission).

Conditions:
Primary ciliary dyskinesia 7. Also called: CILIARY DYSKINESIA, PRIMARY, 7, WITH OR WITHOUT SITUS INVERSUS. Identifiers: Orphanet 244, MedGen C2678473, MONDO:0012748, OMIM 611884.

gnomAD v4.1: 3 of 1,613,102 alleles (0.00019%); highest among the groups gnomAD compares: Non-Finnish European, 0.00025%; no homozygotes.

Submission:

Broad Center for Mendelian Genomics, Broad Institute of MIT and Harvard
Classification: Likely pathogenic for Primary ciliary dyskinesia 7. Last evaluated: 2025-02-12. Review status: criteria provided, single submitter. Criteria: ACMG Guidelines, 2015. Collection method: curation. Allele origin: germline. Inheritance: Autosomal recessive inheritance.
Comment: The c.4012-1G>C variant in DNAH11 has been reported in 1 individual with primary ciliary dyskinesia (PMID: 34556108), and has been identified in 0.0003% (3/1179388) of European (non-Finnish) chromosomes by the Genome Aggregation Database (gnomAD). Although this variant has been seen in the general population in a heterozygous state, its frequency is low enough to be consistent with a recessive carrier frequency. This variant is located in the 5' splice region. SpliceAI predictions indicate use of an out-of-frame cryptic splice site 2 bases from the intron-exon boundary, providing evidence that this variant may cause a frameshift and lead to a premature termination codon downstream. This alteration is then predicted to lead to a truncated or absent protein. However, this information is not predictive enough to determine pathogenicity. Loss of function of the DNAH11 gene is an established disease mechanism in autosomal recessive primary ciliary dyskinesia. In summary, although additional studies are required to fully establish its clinical significance, this variant is likely pathogenic for autosomal recessive primary ciliary dyskinesia. ACMG/AMP Criteria applied: PVS1, PM2_supporting (Richards 2015).